The following is an entry in ClinVar:

NM_001126121.2(SLC25A19):c.459+4A>G

Gene: SLC25A19 (solute carrier family 25 member 19; minus strand). Cytogenetic location: 17q25.1.
Variant type: single nucleotide variant.
Coding change: c.459+4A>G on transcript NM_001126121.2 (MANE Select); 4 bases into the intron after coding-DNA position 459, A replaced by G.
Molecular consequence: intron variant.
Genome position (GRCh38, 1-based): chr17:75,283,419, T>C on the plus strand (A>G on the coding strand, the complement: SLC25A19 is on the minus strand). VCF-style: chr17-75283419-T-C. GRCh37 (hg19) VCF-style: chr17-73279500-T-C.
Other names: c.459+4A>G (NM_001126122.2, NM_021734.5).
Identifiers: ClinVar variation 2026674 (VCV002026674.4), dbSNP rs2545190713, ClinGen allele CA2580095285.

ClinVar aggregate classification (germline): Uncertain significance (1 of 4 stars; one submission).

Submission:

Labcorp Genetics (formerly Invitae), Labcorp
Classification: Uncertain significance. Last evaluated: 2024-10-08. Review status: criteria provided, single submitter. Criteria: Invitae Variant Classification Sherloc (09022015). Collection method: clinical testing. Allele origin: germline.
Comment: This sequence change falls in intron 5 of the SLC25A19 gene. It does not directly change the encoded amino acid sequence of the SLC25A19 protein. It affects a nucleotide within the consensus splice site. This variant is not present in population databases (gnomAD no frequency). This variant has not been reported in the literature in individuals affected with SLC25A19-related conditions. ClinVar contains an entry for this variant (Variation ID: 2026674). Variants that disrupt the consensus splice site are a relatively common cause of aberrant splicing (PMID: 17576681, 9536098). Algorithms developed to predict the effect of sequence changes on RNA splicing suggest that this variant may disrupt the consensus splice site. In summary, the available evidence is currently insufficient to determine the role of this variant in disease. Therefore, it has been classified as a Variant of Uncertain Significance.

Literature cited by the submitters: PubMed 17576681; PubMed 9536098.